The following is an entry in ClinVar:

ClinVar aggregate classification (germline): Benign/Likely benign. Review status: criteria provided, multiple submitters, no conflicts (2 of 4 stars). 2 submissions from 2 submitters: Benign (1); Likely benign (1). Last evaluated 2026-02-21.

Conditions:
Hereditary cancer-predisposing syndrome. Also called: Hereditary Cancer Syndrome; Neoplastic Syndromes, Hereditary; Tumor predisposition; Hereditary neoplastic syndrome. Identifiers: Orphanet 140162, MedGen C0027672, MeSH D009386, MONDO:0015356.
Papillary renal cell carcinoma type 1 (RCCP1). Also called: RENAL CELL CARCINOMA, PAPILLARY, 1, SOMATIC; Renal adenocarcinoma; Renal cell carcinoma 1; Renal cell carcinoma, somatic. Identifiers: Orphanet 47044, MedGen C1336839, OMIM 605074, HP:0011797.

Submissions (2):

Ambry Genetics
Classification: Likely benign for Hereditary cancer-predisposing syndrome. Last evaluated: 2026-02-21. Review status: criteria provided, single submitter. Criteria: Ambry Variant Classification Scheme 2023. Collection method: clinical testing. Allele origin: germline.

Myriad Genetics, Inc.
Classification: Benign for Papillary renal cell carcinoma type 1. Last evaluated: 2024-11-13. Review status: criteria provided, single submitter. Criteria: Myriad Autosomal Dominant, Autosomal Recessive and X-Linked Classification Criteria (2023). Collection method: clinical testing. Allele origin: unknown.
Comment: This variant is considered benign. This variant is a silent/synonymous amino acid change and it is not expected to impact splicing.

NM_000245.4(MET):c.3618T>C (p.Ala1206=)

Gene: MET (MET proto-oncogene, receptor tyrosine kinase; plus strand). Cytogenetic location: 7q31.2.
Variant type: single nucleotide variant.
Coding change: c.3618T>C on transcript NM_000245.4 (MANE Select); coding-DNA position 3618, T replaced by C.
Protein change: p.Ala1206=; no amino-acid change (alanine 1206 retained).
Molecular consequence: synonymous variant.
Genome position (GRCh38, 1-based): chr7:116,782,083, T>C. VCF-style: chr7-116782083-T-C. GRCh37 (hg19) VCF-style: chr7-116422137-T-C.
Other names: c.3672T>C, p.Ala1224= (NM_001127500.3); c.2328T>C, p.Ala776= (NM_001324402.2).
Identifiers: ClinVar variation 3773098 (VCV003773098.2).